The following is an entry in ClinVar:

NM_182914.3(SYNE2):c.7435_7436del (p.Glu2479fs)

Gene: SYNE2 (spectrin repeat containing nuclear envelope protein 2; plus strand). Cytogenetic location: 14q23.2.
Variant type: Deletion.
Coding change: c.7435_7436del on transcript NM_182914.3 (MANE Select); coding-DNA positions 7435 to 7436, 2 bases deleted (GA; older notation c.7435_7436delGA).
Protein change: p.Glu2479fs; shifts the reading frame from glutamic acid 2479.
Molecular consequence: frameshift variant.
Genome position (GRCh38, 1-based): chr14:64,049,668-64,049,669, GA deleted; deleting any 2 consecutive bases within chr14:64,049,667-64,049,669 gives the same sequence; the c. name uses the placement nearest the transcript's 3' end. VCF-style (leftmost placement, unchanged base first): chr14-64049666-CAG-C. GRCh37 (hg19) VCF-style: chr14-64516384-CAG-C.
Other names: c.7435_7436del, p.Glu2479fs (NM_015180.6); short protein forms E2479fs.
Identifiers: ClinVar variation 4712169 (VCV004712169.1).

ClinVar aggregate classification (germline): Uncertain significance (1 of 4 stars; one submission).

Conditions:
Emery-Dreifuss muscular dystrophy 5, autosomal dominant (EDMD5). Also called: EMERY-DREIFUSS MUSCULAR DYSTROPHY 5. Identifiers: Orphanet 261, MedGen C2751805, MONDO:0013072, OMIM 612999.

Submission:

Labcorp Genetics (formerly Invitae), Labcorp
Classification: Uncertain significance for Emery-Dreifuss muscular dystrophy 5, autosomal dominant. Last evaluated: 2025-02-04. Review status: criteria provided, single submitter. Criteria: Invitae Variant Classification Sherloc (09022015). Collection method: clinical testing. Allele origin: germline.
Comment: This sequence change creates a premature translational stop signal (p.Glu2479Metfs*3) in the SYNE2 gene. It is expected to result in an absent or disrupted protein product. However, the current clinical and genetic evidence is not sufficient to establish whether loss-of-function variants in SYNE2 cause disease. This variant is not present in population databases (gnomAD no frequency). This variant has not been reported in the literature in individuals affected with SYNE2-related conditions. In summary, the available evidence is currently insufficient to determine the role of this variant in disease. Therefore, it has been classified as a Variant of Uncertain Significance.